The following is an entry in ClinVar:

ClinVar aggregate classification (germline): Likely pathogenic (1 of 4 stars; one submission).

Conditions:
SERPINF1-related disorder. Also called: SERPINF1-related condition.

Submission:

PreventionGenetics, part of Exact Sciences
Classification: Likely pathogenic for SERPINF1-related condition. Last evaluated: 2022-12-19. Review status: criteria provided, single submitter. Criteria: ACMG Guidelines, 2015. Collection method: clinical testing. Allele origin: germline.
Comment: The SERPINF1 c.816_819delGAGT variant is predicted to result in a frameshift and premature protein termination (p.Met272Ilefs*8). To our knowledge, this variant has not been reported in the literature. This variant is reported in 0.0018% of alleles in individuals of European (Non-Finnish) descent in gnomAD. Frameshift variants in SERPINF1 are expected to be pathogenic. This variant is interpreted as likely pathogenic.

NM_002615.7(SERPINF1):c.816_819del (p.Met272fs)

Gene: SERPINF1 (serpin family F member 1; plus strand). Cytogenetic location: 17p13.3.
Variant type: Deletion.
Coding change: c.816_819del on transcript NM_002615.7 (MANE Select); coding-DNA positions 816 to 819, 4 bases deleted (GAGT; older notation c.816_819delGAGT).
Protein change: p.Met272fs; shifts the reading frame from methionine 272.
Molecular consequence: frameshift variant.
Genome position (GRCh38, 1-based): chr17:1,776,561-1,776,564, GAGT deleted; deleting any 4 consecutive bases within chr17:1,776,560-1,776,564 gives the same sequence; the c. name uses the placement nearest the transcript's 3' end. VCF-style (leftmost placement, unchanged base first): chr17-1776559-ATGAG-A. GRCh37 (hg19) VCF-style: chr17-1679853-ATGAG-A.
Other names: c.816_819del, p.Met272fs (NM_001329903.2); c.255_258del, p.Met85fs (NM_001329904.2, NM_001329905.2); short protein forms M272fs, M85fs.
Identifiers: ClinVar variation 2629878 (VCV002629878.1), dbSNP rs770542903, ClinGen allele CA8274870.